The following is an entry in ClinVar:

ClinVar aggregate classification (germline): Uncertain significance (1 of 4 stars; one submission).

Conditions:
CHARGE syndrome (CHARGE). Also called: Hittner Hirsch Kreh syndrome; CHARGE ASSOCIATION--COLOBOMA, HEART ANOMALY, CHOANAL ATRESIA, RETARDATION, GENITAL AND EAR ANOMALIES; Coloboma, heart anomaly, choanal atresia, retardation, genital and ear anomalies; CHARGE association; Hall-Hittner syndrome. Identifiers: Orphanet 138, MedGen C0265354, MONDO:0008965.

Submission:

Labcorp Genetics (formerly Invitae), Labcorp
Classification: Uncertain significance for CHARGE syndrome. Last evaluated: 2025-09-29. Review status: criteria provided, single submitter. Criteria: Invitae Variant Classification Sherloc (09022015). Collection method: clinical testing. Allele origin: germline.
Comment: This sequence change replaces glutamic acid, which is acidic and polar, with glutamine, which is neutral and polar, at codon 2837 of the CHD7 protein (p.Glu2837Gln). This variant is not present in population databases (gnomAD no frequency). This variant has not been reported in the literature in individuals affected with CHD7-related conditions. Invitae Evidence Modeling of protein sequence and biophysical properties (such as structural, functional, and spatial information, amino acid conservation, physicochemical variation, residue mobility, and thermodynamic stability) indicates that this missense variant is not expected to disrupt CHD7 protein function with a negative predictive value of 95%. In summary, the available evidence is currently insufficient to determine the role of this variant in disease. Therefore, it has been classified as a Variant of Uncertain Significance.

NM_017780.4(CHD7):c.8509G>C (p.Glu2837Gln)

Gene: CHD7 (chromodomain helicase DNA binding protein 7; plus strand). Cytogenetic location: 8q12.2.
Variant type: single nucleotide variant.
Coding change: c.8509G>C on transcript NM_017780.4 (MANE Select); coding-DNA position 8509, G replaced by C.
Protein change: p.Glu2837Gln; replaces glutamic acid 2837 with glutamine.
Molecular consequence: missense variant.
Genome position (GRCh38, 1-based): chr8:60,865,448, G>C. VCF-style: chr8-60865448-G-C. GRCh37 (hg19) VCF-style: chr8-61778007-G-C.
Other names: c.2362G>C, p.Glu788Gln (NM_001316690.1); short protein forms E2837Q, E788Q.
Identifiers: ClinVar variation 4802753 (VCV004802753.1).